The following is an entry in ClinVar:

NM_001035.3(RYR2):c.8715-14T>C

Gene: RYR2 (ryanodine receptor 2; plus strand). Cytogenetic location: 1q43.
Variant type: single nucleotide variant.
Coding change: c.8715-14T>C on transcript NM_001035.3 (MANE Select); 14 bases into the intron before coding-DNA position 8715, T replaced by C.
Molecular consequence: intron variant.
Genome position (GRCh38, 1-based): chr1:237,674,717, T>C. VCF-style: chr1-237674717-T-C. GRCh37 (hg19) VCF-style: chr1-237838017-T-C.
Other names: c.8715-14T>C (LRG_402t1).
Identifiers: ClinVar variation 515478 (VCV000515478.1), dbSNP rs1553277503, ClinGen allele CA658795638.

ClinVar aggregate classification (germline): Likely benign (1 of 4 stars; one submission).

Submission:

GeneDx
Classification: Likely benign. Last evaluated: 2018-02-14. Review status: criteria provided, single submitter. Criteria: GeneDx Variant Classification (06012015). Collection method: clinical testing. Allele origin: germline. Affected: yes.
Comment: This variant is considered likely benign or benign based on one or more of the following criteria: it is a conservative change, it occurs at a poorly conserved position in the protein, it is predicted to be benign by multiple in silico algorithms, and/or has population frequency not consistent with disease.